The following is an entry in ClinVar:

NM_001102564.3(IFT43):c.21G>T (p.Leu7Phe)

Gene: IFT43 (intraflagellar transport 43; plus strand). Cytogenetic location: 14q24.3.
Variant type: single nucleotide variant.
Coding change: c.21G>T on transcript NM_001102564.3 (MANE Select); coding-DNA position 21, G replaced by T.
Protein change: p.Leu7Phe; replaces leucine 7 with phenylalanine.
Molecular consequence: missense variant. On other transcripts: non-coding transcript variant (2).
Genome position (GRCh38, 1-based): chr14:75,985,807, G>T. VCF-style: chr14-75985807-G-T. GRCh37 (hg19) VCF-style: chr14-76452150-G-T.
Other names: c.21G>T, p.Leu7Phe (NM_001255995.3, NM_052873.3); short protein forms L7F.
Identifiers: ClinVar variation 161790 (VCV000161790.2), dbSNP rs193921095, ClinGen allele CA174788.

ClinVar aggregate classification (germline): Uncertain significance (0 of 4 stars; one submission).

Conditions:
Prostate cancer. Also called: Malignant tumor of prostate. Identifiers: Orphanet 1331, MedGen C0376358, MONDO:0008315, HP:0012125.

Submission:

Science for Life laboratory,  Karolinska Institutet
Classification: Uncertain significance for Malignant tumor of prostate. Review status: no assertion criteria provided. Collection method: not provided. Allele origin: somatic.
Comment: TumorID:SWE-91A
ClinVar note: Converted during submission from Unknown to Uncertain significance.